The following is an entry in ClinVar:

ClinVar aggregate classification (germline): Likely benign (1 of 4 stars; one submission).

Allele frequency attached by ClinVar (database versions not stated): 1000 Genomes Project 30x 0.00297; ESP Exome Variant Server 0.00315; 1000 Genomes Project 0.00339; gnomAD 0.00421.
gnomAD v4.1: 8,160 of 1,613,380 alleles (0.51%); highest among the groups gnomAD compares: Middle Eastern, 0.69%; 34 homozygotes.

Submission:

CeGaT Center for Human Genetics Tuebingen
Classification: Likely benign. Last evaluated: 2026-09-01. Review status: criteria provided, single submitter. Criteria: CeGaT Center For Human Genetics Tuebingen Variant Classification Criteria Version 2. Collection method: clinical testing. Allele origin: germline. Affected: yes. Observed: 11 variant alleles.
Comment: PLCH1: BS2

NM_014996.4(PLCH1):c.133C>T (p.Arg45Cys)

Gene: PLCH1 (phospholipase C eta 1; minus strand). Cytogenetic location: 3q25.31.
Variant type: single nucleotide variant.
Coding change: c.133C>T on transcript NM_014996.4 (MANE Select); coding-DNA position 133, C replaced by T.
Protein change: p.Arg45Cys; replaces arginine 45 with cysteine.
Molecular consequence: missense variant.
Genome position (GRCh38, 1-based): chr3:155,596,325, G>A on the plus strand (C>T on the coding strand, the complement: PLCH1 is on the minus strand). VCF-style: chr3-155596325-G-A. GRCh37 (hg19) VCF-style: chr3-155314114-G-A.
Other names: c.133C>T, p.Arg45Cys (NM_001349251.2, NM_001349252.2); c.97C>T, p.Arg33Cys (NM_001130960.2, NM_001130961.2, NM_001349250.2); short protein forms R33C, R45C.
Identifiers: ClinVar variation 3024958 (VCV003024958.22), dbSNP rs150143990, ClinGen allele CA2676938.